The following is an entry in ClinVar:

NC_000005.10:g.112707437C>G

Gene: APC (APC regulator of Wnt signaling pathway; plus strand). Cytogenetic location: 5q22.2.
Variant type: single nucleotide variant.
Genome position: GRCh38 VCF-style: chr5-112707437-C-G. GRCh37 (hg19) VCF-style: chr5-112043134-C-G.
Identifiers: ClinVar variation 1010420 (VCV001010420.8), dbSNP rs978748301, ClinGen allele CA124924662.

ClinVar aggregate classification (germline): Uncertain significance (1 of 4 stars; one submission).

Conditions:
Familial adenomatous polyposis 1 (FAP1). Also called: FAMILIAL ADENOMATOUS POLYPOSIS 1, ATTENUATED; POLYPOSIS, ADENOMATOUS INTESTINAL. Identifiers: MedGen C2713442, MONDO:0021056, OMIM 175100. Disease mechanism: loss of function.

Allele frequency attached by ClinVar (database versions not stated): TOPMed 0.00001.

Submission:

Labcorp Genetics (formerly Invitae), Labcorp
Classification: Uncertain significance for Familial adenomatous polyposis 1. Last evaluated: 2025-09-10. Review status: criteria provided, single submitter. Criteria: Invitae Variant Classification Sherloc (09022015). Collection method: clinical testing. Allele origin: germline.
Comment: This variant occurs in a non-coding region of the APC gene. It does not change the encoded amino acid sequence of the APC protein. This variant is not present in population databases (gnomAD no frequency). This variant has not been reported in the literature in individuals affected with APC-related conditions. Experimental studies and prediction algorithms are not available or were not evaluated, and the functional significance of this variant is currently unknown. In summary, the available evidence is currently insufficient to determine the role of this variant in disease. Therefore, it has been classified as a Variant of Uncertain Significance.